The following is an entry in ClinVar:

ClinVar aggregate classification (germline): Likely pathogenic (1 of 4 stars; one submission).

Allele frequency attached by ClinVar (database versions not stated): TOPMed 0.00001.
gnomAD v4.1: 2 of 1,614,004 alleles (0.00012%); highest among the groups gnomAD compares: Non-Finnish European, 0.00017%; no homozygotes.

Submission:

GeneDx
Classification: Likely pathogenic. Last evaluated: 2023-04-19. Review status: criteria provided, single submitter. Criteria: GeneDx Variant Classification Process June 2021. Collection method: clinical testing. Allele origin: germline. Affected: yes.
Comment: Not observed at significant frequency in large population cohorts (gnomAD); In silico analysis supports that this missense variant has a deleterious effect on protein structure/function; This variant is associated with the following publications: (PMID: 35002963, 33144682)

NM_001206744.2(TPO):c.2394C>A (p.Asn798Lys)

Genes: LALTOP (lung cancer associated lncRNA targeting TOP2A; minus strand), TPO (thyroid peroxidase; plus strand). Cytogenetic location: 2p25.3.
Variant type: single nucleotide variant.
Coding change: c.2394C>A on transcript NM_001206744.2 (MANE Select); coding-DNA position 2394, C replaced by A.
Protein change: p.Asn798Lys; replaces asparagine 798 with lysine.
Molecular consequence: missense variant. On other transcripts: intron variant (1).
Genome position (GRCh38, 1-based): chr2:1,503,955, C>A. VCF-style: chr2-1503955-C-A. GRCh37 (hg19) VCF-style: chr2-1507727-C-A.
Other names: c.2394C>A, p.Asn798Lys (NM_000547.6); c.2223C>A, p.Asn741Lys (NM_001206745.2, NM_175719.4); c.1875C>A, p.Asn625Lys (NM_175722.3); c.2386+7190C>A (NM_175721.3); short protein forms N798K, N625K, N741K.
Identifiers: ClinVar variation 430384 (VCV000430384.4), dbSNP rs547339082, ClinGen allele CA345693369.